The following is an entry in ClinVar:

NM_000179.3(MSH6):c.3139T>C (p.Trp1047Arg)

Gene: MSH6 (mutS homolog 6; plus strand). Cytogenetic location: 2p16.3.
Variant type: single nucleotide variant.
Coding change: c.3139T>C on transcript NM_000179.3 (MANE Select); coding-DNA position 3139, T replaced by C.
Protein change: p.Trp1047Arg; replaces tryptophan 1047 with arginine.
Molecular consequence: missense variant.
Genome position (GRCh38, 1-based): chr2:47,801,122, T>C. VCF-style: chr2-47801122-T-C. GRCh37 (hg19) VCF-style: chr2-48028261-T-C.
Other names: c.2749T>C, p.Trp917Arg (NM_001281492.2); c.2233T>C, p.Trp745Arg (NM_001281493.2, NM_001281494.2); short protein forms W1047R, W745R, W917R.
Identifiers: ClinVar variation 485873 (VCV000485873.10), dbSNP rs1114167753, ClinGen allele CA346756685.
Genomic context (GRCh38, chr2:47,801,122, plus strand): 5'-GTATCATTGAAGGACTGCATGCGGCGACTGTTCTATAACTTTGATAAAAATTACAAGGAC[T>C]GGCAGTCTGCTGTAGAGTGTATCGCAGTGTTGGGTAAGACTTTGAACAAGCTTGTTCTCA-3'
Protein context (NP_000170.1, residues 1037-1057): FYNFDKNYKD[Trp1047Arg]QSAVECIAVL

ClinVar aggregate classification (germline): Uncertain significance. Review status: criteria provided, multiple submitters, no conflicts (2 of 4 stars). 3 submissions from 3 submitters: Uncertain significance (3). Last evaluated 2023-09-19.

Conditions:
Hereditary cancer-predisposing syndrome. Also called: Tumor predisposition; Hereditary Cancer Syndrome; Hereditary neoplastic syndrome; Neoplastic Syndromes, Hereditary. Identifiers: Orphanet 140162, MedGen C0027672, MeSH D009386, MONDO:0015356.
Hereditary nonpolyposis colorectal neoplasms. Identifiers: MedGen C0009405, MeSH D003123.
Lynch syndrome. Identifiers: Orphanet 144, MedGen C4552100, MONDO:0005835. Disease mechanism: loss of function.

Submissions (3):

Labcorp Genetics (formerly Invitae), Labcorp
Classification: Uncertain significance for Hereditary nonpolyposis colorectal neoplasms. Last evaluated: 2023-09-19. Review status: criteria provided, single submitter. Criteria: Invitae Variant Classification Sherloc (09022015). Collection method: clinical testing. Allele origin: germline.
Comment: ClinVar contains an entry for this variant (Variation ID: 485873). This variant has not been reported in the literature in individuals affected with MSH6-related conditions. This variant is not present in population databases (gnomAD no frequency). This sequence change replaces tryptophan, which is neutral and slightly polar, with arginine, which is basic and polar, at codon 1047 of the MSH6 protein (p.Trp1047Arg). Advanced modeling of protein sequence and biophysical properties (such as structural, functional, and spatial information, amino acid conservation, physicochemical variation, residue mobility, and thermodynamic stability) performed at Invitae indicates that this missense variant is expected to disrupt MSH6 protein function. In summary, the available evidence is currently insufficient to determine the role of this variant in disease. Therefore, it has been classified as a Variant of Uncertain Significance.

Ambry Genetics
Classification: Uncertain significance for Hereditary cancer-predisposing syndrome. Last evaluated: 2021-09-30. Review status: criteria provided, single submitter. Criteria: Ambry Variant Classification Scheme 2023. Collection method: clinical testing. Allele origin: germline.
Comment: The p.W1047R variant (also known as c.3139T>C), located in coding exon 4 of the MSH6 gene, results from a T to C substitution at nucleotide position 3139. The tryptophan at codon 1047 is replaced by arginine, an amino acid with dissimilar properties. Using a Bayesian analysis that incorporates tumor mutation data, this variant was classified as a variant of uncertain significance (Shirts BH et al. Am J Hum Genet, 2018 07;103:19-29). This amino acid position is highly conserved in available vertebrate species. In addition, this alteration is predicted to be deleterious by in silico analysis. Since supporting evidence is limited at this time, the clinical significance of this alteration remains unclear.

University of Washington Department of Laboratory Medicine, University of Washington
Classification: Uncertain significance for Lynch syndrome. Last evaluated: 2018-05-01. Review status: criteria provided, single submitter. Criteria: Shirts BH et al. (Am J Hum Genet 2018). Collection method: clinical testing. Allele origin: somatic. Affected: yes.
Comment: MSH6 NM_000179.2:c.3139T>C has a 93.3% probability of pathogenicity based on combining prior probability from public data with a likelihood ratio of 1.56 to 1, generated from evidence of seeing this as a somatic mutation in a tumor without loss of heterozygosity at the MSH6 locus. See Shirts et al 2018, PMID 29887214.

Literature cited by the submitters: PubMed 29887214 (cited by Ambry Genetics).